The following is an entry in ClinVar:

ClinVar aggregate classification (germline): Uncertain significance (1 of 4 stars; one submission).

Conditions:
Brugada syndrome 8 (BRGDA8). Identifiers: Orphanet 130, MedGen C2751083, MONDO:0013148, OMIM 613123.

Submission:

Labcorp Genetics (formerly Invitae), Labcorp
Classification: Uncertain significance for Brugada syndrome 8. Last evaluated: 2024-05-22. Review status: criteria provided, single submitter. Criteria: Invitae Variant Classification Sherloc (09022015). Collection method: clinical testing. Allele origin: germline.
Comment: This sequence change replaces leucine, which is neutral and non-polar, with valine, which is neutral and non-polar, at codon 1025 of the HCN4 protein (p.Leu1025Val). This variant is not present in population databases (gnomAD no frequency). This variant has not been reported in the literature in individuals affected with HCN4-related conditions. Advanced modeling of protein sequence and biophysical properties (such as structural, functional, and spatial information, amino acid conservation, physicochemical variation, residue mobility, and thermodynamic stability) performed at Invitae indicates that this missense variant is not expected to disrupt HCN4 protein function with a negative predictive value of 95%. In summary, the available evidence is currently insufficient to determine the role of this variant in disease. Therefore, it has been classified as a Variant of Uncertain Significance.

NM_005477.3(HCN4):c.3073C>G (p.Leu1025Val)

Gene: HCN4 (hyperpolarization activated cyclic nucleotide gated potassium channel 4; minus strand). Cytogenetic location: 15q24.1.
Variant type: single nucleotide variant.
Coding change: c.3073C>G on transcript NM_005477.3 (MANE Select); coding-DNA position 3073, C replaced by G.
Protein change: p.Leu1025Val; replaces leucine 1025 with valine.
Molecular consequence: missense variant.
Genome position (GRCh38, 1-based): chr15:73,323,020, G>C on the plus strand (C>G on the coding strand, the complement: HCN4 is on the minus strand). VCF-style: chr15-73323020-G-C. GRCh37 (hg19) VCF-style: chr15-73615361-G-C.
Other names: short protein forms L1025V.
Identifiers: ClinVar variation 3636610 (VCV003636610.2).